The following is an entry in ClinVar:

NM_004171.4(SLC1A2):c.626G>A (p.Ser209Asn)

Gene: SLC1A2 (solute carrier family 1 member 2; minus strand). Cytogenetic location: 11p13.
Variant type: single nucleotide variant.
Coding change: c.626G>A on transcript NM_004171.4 (MANE Select); coding-DNA position 626, G replaced by A.
Protein change: p.Ser209Asn; replaces serine 209 with asparagine.
Molecular consequence: missense variant.
Genome position (GRCh38, 1-based): chr11:35,306,178, C>T on the plus strand (G>A on the coding strand, the complement: SLC1A2 is on the minus strand). VCF-style: chr11-35306178-C-T. GRCh37 (hg19) VCF-style: chr11-35327725-C-T.
Other names: c.599G>A, p.Ser200Asn (NM_001195728.3, NM_001252652.2); short protein forms S200N, S209N.
Identifiers: ClinVar variation 2057526 (VCV002057526.7), dbSNP rs758739605, ClinGen allele CA5947265.
Genomic context (GRCh38, chr11:35,306,178, plus strand): 5'-ACCATCTTAGTCTCCTCCGGCACCTCAGTCACAGTCTCGTTCAACAGAGAGACAACAGCG[C>T]TGGTTGCGTTGGCCTCCTCGTCCGGCGGTGGTGCAACCAGGACTTTCTTCGTCACTGTTT-3'
Protein context (NP_004162.2, residues 199-219): PPPDEEANAT[Ser209Asn]AVVSLLNETV

ClinVar aggregate classification (germline): Uncertain significance. Review status: criteria provided, multiple submitters, no conflicts (2 of 4 stars). 2 submissions from 2 submitters: Uncertain significance (2). Last evaluated 2021-12-24.

Conditions:
Developmental and epileptic encephalopathy, 41 (DEE41). Also called: Epileptic encephalopathy, early infantile, 41. Identifiers: MedGen C4310717, MONDO:0014916, OMIM 617105.

Allele frequency attached by ClinVar (database versions not stated): gnomAD exomes below 0.00001; gnomAD 0.00001; TOPMed 0.00001; ExAC 0.00002.

Submissions (2):

Labcorp Genetics (formerly Invitae), Labcorp
Classification: Uncertain significance. Last evaluated: 2021-12-24. Review status: criteria provided, single submitter. Criteria: Invitae Variant Classification Sherloc (09022015). Collection method: clinical testing. Allele origin: germline.
Comment: Algorithms developed to predict the effect of missense changes on protein structure and function output the following: SIFT: "Tolerated"; PolyPhen-2: "Benign"; Align-GVGD: "Class C0". The asparagine amino acid residue is found in multiple mammalian species, which suggests that this missense change does not adversely affect protein function. In summary, the available evidence is currently insufficient to determine the role of this variant in disease. Therefore, it has been classified as a Variant of Uncertain Significance. This variant has not been reported in the literature in individuals affected with SLC1A2-related conditions. This variant is present in population databases (rs758739605, gnomAD 0.02%). This sequence change replaces serine, which is neutral and polar, with asparagine, which is neutral and polar, at codon 209 of the SLC1A2 protein (p.Ser209Asn).

Revvity Omics, Revvity
Classification: Uncertain significance for Developmental and epileptic encephalopathy, 41. Last evaluated: 2021-08-27. Review status: criteria provided, single submitter. Criteria: ACMG Guidelines, 2015. Collection method: clinical testing. Allele origin: germline.